The following is an entry in ClinVar:

NM_021813.4(BACH2):c.460G>A (p.Glu154Lys)

Gene: BACH2 (BACH transcriptional regulator 2; minus strand). Cytogenetic location: 6q15.
Variant type: single nucleotide variant.
Coding change: c.460G>A on transcript NM_021813.4 (MANE Select); coding-DNA position 460, G replaced by A.
Protein change: p.Glu154Lys; replaces glutamic acid 154 with lysine.
Molecular consequence: missense variant.
Genome position (GRCh38, 1-based): chr6:89,951,646, C>T on the plus strand (G>A on the coding strand, the complement: BACH2 is on the minus strand). VCF-style: chr6-89951646-C-T. GRCh37 (hg19) VCF-style: chr6-90661365-C-T.
Other names: c.460G>A, p.Glu154Lys (NM_001170794.2); short protein forms E154K.
Identifiers: ClinVar variation 4694025 (VCV004694025.1).

ClinVar aggregate classification (germline): Uncertain significance (1 of 4 stars; one submission).

gnomAD v4.1: 12 of 1,614,226 alleles (0.00074%); highest among the groups gnomAD compares: East Asian, 0.0022%; no homozygotes.

Submission:

Labcorp Genetics (formerly Invitae), Labcorp
Classification: Uncertain significance. Last evaluated: 2025-10-29. Review status: criteria provided, single submitter. Criteria: Invitae Variant Classification Sherloc (09022015). Collection method: clinical testing. Allele origin: germline.
Comment: This sequence change replaces glutamic acid, which is acidic and polar, with lysine, which is basic and polar, at codon 154 of the BACH2 protein (p.Glu154Lys). This variant is not present in population databases (gnomAD no frequency). This variant has not been reported in the literature in individuals affected with BACH2-related conditions. Invitae Evidence Modeling of protein sequence and biophysical properties (such as structural, functional, and spatial information, amino acid conservation, physicochemical variation, residue mobility, and thermodynamic stability) indicates that this missense variant is not expected to disrupt BACH2 protein function with a negative predictive value of 80%. In summary, the available evidence is currently insufficient to determine the role of this variant in disease. Therefore, it has been classified as a Variant of Uncertain Significance.